The following is an entry in ClinVar:

NM_018979.4(WNK1):c.6338T>C (p.Ile2113Thr)

Gene: WNK1 (WNK lysine deficient protein kinase 1; plus strand). Cytogenetic location: 12p13.33.
Variant type: single nucleotide variant.
Coding change: c.6338T>C on transcript NM_018979.4 (MANE Select); coding-DNA position 6338, T replaced by C.
Protein change: p.Ile2113Thr; replaces isoleucine 2113 with threonine.
Molecular consequence: missense variant.
Genome position (GRCh38, 1-based): chr12:897,571, T>C. VCF-style: chr12-897571-T-C. GRCh37 (hg19) VCF-style: chr12-1006737-T-C.
Other names: c.7118T>C, p.Ile2373Thr (NM_001184985.2); c.5594T>C, p.Ile1865Thr (NM_014823.3); c.7094T>C, p.Ile2365Thr (NM_213655.5); short protein forms I1865T, I2113T, I2365T, I2373T.
Identifiers: ClinVar variation 4789833 (VCV004789833.1).

ClinVar aggregate classification (germline): Uncertain significance (1 of 4 stars; one submission).

Conditions:
Neuropathy, hereditary sensory and autonomic, type 2A (HSAN2A). Also called: WNK1-Related HSAN2 (HSAN2A); ACROOSTEOLYSIS, GIACCAI TYPE; ACROOSTEOLYSIS, NEUROGENIC; MORVAN DISEASE; NEUROPATHY, CONGENITAL SENSORY; NEUROPATHY, HEREDITARY SENSORY RADICULAR, AUTOSOMAL RECESSIVE. Identifiers: Orphanet 970, MedGen C2752089, MONDO:0024309, OMIM 201300.
Pseudohypoaldosteronism type 2C (PHA2C). Also called: Pseudohypoaldosteronism Type IIC. Identifiers: Orphanet 757, Orphanet 88940, MedGen C1840391, MONDO:0013778, OMIM 614492.

Submission:

Labcorp Genetics (formerly Invitae), Labcorp
Classification: Uncertain significance for Neuropathy, hereditary sensory and autonomic, type 2A; Pseudohypoaldosteronism type 2C. Last evaluated: 2025-07-27. Review status: criteria provided, single submitter. Criteria: Invitae Variant Classification Sherloc (09022015). Collection method: clinical testing. Allele origin: germline.
Comment: This sequence change replaces isoleucine, which is neutral and non-polar, with threonine, which is neutral and polar, at codon 2365 of the WNK1 protein (p.Ile2365Thr). This variant is not present in population databases (gnomAD no frequency). This variant has not been reported in the literature in individuals affected with WNK1-related conditions. Invitae Evidence Modeling of protein sequence and biophysical properties (such as structural, functional, and spatial information, amino acid conservation, physicochemical variation, residue mobility, and thermodynamic stability) indicates that this missense variant is not expected to disrupt WNK1 protein function with a negative predictive value of 95%. In summary, the available evidence is currently insufficient to determine the role of this variant in disease. Therefore, it has been classified as a Variant of Uncertain Significance.